The following is an entry in ClinVar:

ClinVar aggregate classification (germline): Pathogenic (1 of 4 stars; one submission).

Conditions:
Early-infantile DEE. Also called: Early infantile epileptic encephalopathy; Early infantile epileptic encephalopathy with suppression bursts; Ohtahara syndrome. Identifiers: Orphanet 1934, MedGen C0393706, MONDO:0800491.

Submission:

Labcorp Genetics (formerly Invitae), Labcorp
Classification: Pathogenic for Early-infantile DEE. Last evaluated: 2022-10-23. Review status: criteria provided, single submitter. Criteria: Invitae Variant Classification Sherloc (09022015). Collection method: clinical testing. Allele origin: germline.
Comment: This variant is not present in population databases (gnomAD no frequency). For these reasons, this variant has been classified as Pathogenic. This variant disrupts a region of the SCN1A protein in which other variant(s) (p.Tyr790) have been determined to be pathogenic (PMID: 17679682, 28202706, 30977726). This suggests that this is a clinically significant region of the protein, and that variants that disrupt it are likely to be disease-causing. This variant has not been reported in the literature in individuals affected with SCN1A-related conditions. This variant, c.2344_2385del, results in the deletion of 14 amino acid(s) of the SCN1A protein (p.Thr782_His795del), but otherwise preserves the integrity of the reading frame.

Literature cited by the submitters: PubMed 17679682; PubMed 28202706; PubMed 30977726.

NM_001165963.4(SCN1A):c.2344_2385del (p.Thr782_His795del)

Gene: SCN1A (sodium voltage-gated channel alpha subunit 1; minus strand). Cytogenetic location: 2q24.3.
Variant type: Deletion.
Coding change: c.2344_2385del on transcript NM_001165963.4 (MANE Select); coding-DNA positions 2344 to 2385, 42 bases deleted.
Protein change: p.Thr782_His795del.
Molecular consequence: inframe deletion. On other transcripts: 5 prime UTR variant (1), non-coding transcript variant (1).
Genome position (GRCh38, 1-based): chr2:166,041,261-166,041,302, 42 bases deleted; deleting any 42 consecutive bases within chr2:166,041,261-166,041,304 gives the same sequence; the c. name uses the placement nearest the transcript's 3' end. GRCh37 (hg19): chr2:166,897,773-166,897,814.
Other names: c.2260_2301del, p.Thr754_His767del (NM_001165964.3, NM_001353957.2, NM_001353958.2); c.2344_2385del, p.Thr782_His795del (NM_001202435.3, NM_001353948.2); c.2311_2352del, p.Thr771_His784del (NM_001353949.2, NM_001353950.2, NM_001353951.2 and 2 more transcripts); c.2308_2349del, p.Thr770_His783del (NM_001353954.2, NM_001353955.2); c.2257_2298del, p.Thr753_His766del (NM_001353960.2); c.-115_-74del (NM_001353961.2).
Identifiers: ClinVar variation 2809413 (VCV002809413.3), dbSNP rs2468130036, ClinGen allele CA2739271498.
Genomic context (GRCh38, chr2:166,041,260, plus strand): 5'-ACTAAACACATTTACCTTCCAATATGCTTACCAAGTTTCCTACTGTAAGCACATTATTGA[AATGGTCCGTCATTGGATAGTGCTCCATGGCCATGAAAAGAGT>A]ATTTAAGACAATACAGATGGTGATGGCCAGGTCAACAAATGGGTCCATCACAACCAGGTT-3'